The following is an entry in ClinVar:

NM_014244.5(ADAMTS2):c.3607C>T (p.Arg1203Trp)

Gene: ADAMTS2 (ADAM metallopeptidase with thrombospondin type 1 motif 2; minus strand). Cytogenetic location: 5q35.3.
Variant type: single nucleotide variant.
Coding change: c.3607C>T on transcript NM_014244.5 (MANE Select); coding-DNA position 3607, C replaced by T.
Protein change: p.Arg1203Trp; replaces arginine 1203 with tryptophan.
Molecular consequence: missense variant.
Genome position (GRCh38, 1-based): chr5:179,113,896, G>A on the plus strand (C>T on the coding strand, the complement: ADAMTS2 is on the minus strand). VCF-style: chr5-179113896-G-A. GRCh37 (hg19) VCF-style: chr5-178540897-G-A.
Other names: short protein forms R1203W.
Identifiers: ClinVar variation 512802 (VCV000512802.8), dbSNP rs144078893, ClinGen allele CA3595190.

ClinVar aggregate classification (germline): Conflicting classifications of pathogenicity. Review status: criteria provided, conflicting classifications (1 of 4 stars). 4 submissions from 4 submitters: Uncertain significance (2); Likely benign (1). 1 of the submissions does not count toward it. Last evaluated 2025-10-07.

Conditions:
Inborn genetic diseases. Identifiers: MedGen C0950123, MeSH D030342.
ADAMTS2-related disorder. Also called: ADAMTS2-related condition.

Allele frequency attached by ClinVar (database versions not stated): gnomAD 0.00003; gnomAD exomes 0.00004; TOPMed 0.00004; ExAC 0.00006; ESP Exome Variant Server 0.00008.
gnomAD v4.1: 57 of 1,613,900 alleles (0.0035%); highest among the groups gnomAD compares: Non-Finnish European, 0.0042%; 1 homozygote.

Submissions (4):

Women's Health and Genetics/Laboratory Corporation of America, LabCorp
Classification: Uncertain significance. Last evaluated: 2025-10-07. Review status: criteria provided, single submitter. Criteria: LabCorp Variant Classification Summary - May 2015. Collection method: clinical testing. Allele origin: germline.
Comment: Variant summary: ADAMTS2 c.3607C>T (p.Arg1203Trp) results in a non-conservative amino acid change in the encoded protein sequence. Algorithms developed to predict the effect of missense changes on protein structure and function are either unavailable or do not agree on the potential impact of this missense change. The variant allele was found at a frequency of 3.6e-05 in 251484 control chromosomes in the gnomAD database, including 1 homozygote. The available data on variant occurrences in the general population are insufficient to allow any conclusion about variant significance. To our knowledge, no occurrence of c.3607C>T in individuals affected with ADAMTS2-related conditions and no experimental evidence demonstrating its impact on protein function have been reported. ClinVar contains an entry for this variant (Variation ID: 512802). Based on the evidence outlined above, the variant was classified as uncertain significance.

Ambry Genetics
Classification: Uncertain significance for Inborn genetic diseases. Last evaluated: 2025-05-28. Review status: criteria provided, single submitter. Criteria: Ambry Variant Classification Scheme 2023. Collection method: clinical testing. Allele origin: germline.

GeneDx
Classification: Likely benign. Last evaluated: 2019-01-11. Review status: criteria provided, single submitter. Criteria: GeneDx Variant Classification Process June 2021. Collection method: clinical testing. Allele origin: germline. Affected: yes.

PreventionGenetics, part of Exact Sciences
Classification: Uncertain significance for ADAMTS2-related condition. Last evaluated: 2023-12-26. Review status: no assertion criteria provided. Collection method: clinical testing. Allele origin: germline. Not counted in ClinVar's aggregate classification.
Comment: The ADAMTS2 c.3607C>T variant is predicted to result in the amino acid substitution p.Arg1203Trp. To our knowledge, this variant has not been reported in the literature. This variant is reported in 0.0080% of alleles in individuals of African descent in gnomAD, including one homozygote. At this time, the clinical significance of this variant is uncertain due to the absence of conclusive functional and genetic evidence.